The following is an entry in ClinVar:

NM_000275.3(OCA2):c.2330G>A (p.Cys777Tyr)

Gene: OCA2 (OCA2 melanosomal transmembrane protein; minus strand). Cytogenetic location: 15q13.1.
Variant type: single nucleotide variant.
Coding change: c.2330G>A on transcript NM_000275.3 (MANE Select); coding-DNA position 2330, G replaced by A.
Protein change: p.Cys777Tyr; replaces cysteine 777 with tyrosine.
Molecular consequence: missense variant.
Genome position (GRCh38, 1-based): chr15:27,851,390, C>T on the plus strand (G>A on the coding strand, the complement: OCA2 is on the minus strand). VCF-style: chr15-27851390-C-T. GRCh37 (hg19) VCF-style: chr15-28096536-C-T.
Other names: c.2258G>A, p.Cys753Tyr (NM_001300984.2); short protein forms C777Y, C753Y.
Identifiers: ClinVar variation 429697 (VCV000429697.18), dbSNP rs776814755, ClinGen allele CA7438634.
Genomic context (GRCh38, chr15:27,851,390, plus strand): 5'-AACCACAGTGTGGGCGTGCACCCCCACCCCCATGCAGTCAGCAGCCCCTTACCTCCCAGG[C>T]AAGCACCGAAGGCCAGGGCATACATGAGCGGCGGTGCGGGCAGGCCAACCTCAGGGTCGT-3'
Protein context (NP_000266.2, residues 767-787): PLMYALAFGA[Cys777Tyr]LGGNGTLIGA

ClinVar aggregate classification (germline): Conflicting classifications of pathogenicity. Review status: criteria provided, conflicting classifications (1 of 4 stars). 10 submissions from 10 submitters: Pathogenic (2); Likely pathogenic (7); Uncertain significance (1). Last evaluated 2026-07-14.

Conditions:
OCA2-related disorder. Also called: OCA2-related condition.
X-linked retinitis pigmentosa. Identifiers: MedGen C0339528.
Tyrosinase-positive oculocutaneous albinism (OCA2). Also called: Albinism, oculocutaneous, type II; Oculocutaneous albinism type 2; ALBINISM II. Identifiers: Orphanet 79432, MedGen C0268495, MONDO:0008746, OMIM 203200.
SKIN/HAIR/EYE PIGMENTATION 1, BLUE/NONBLUE EYES (SHEP1). Also called: SKIN/HAIR/EYE PIGMENTATION 1, BLOND/BROWN HAIR; SKIN/HAIR/EYE PIGMENTATION 1, BLUE/BROWN EYES; BROWN EYE COLOR 2; EYE COLOR 3; EYE COLOR, BLUE/NONBLUE; EYE COLOR, BROWN/BLUE. Identifiers: MedGen C1856895, OMIM 227220.

Allele frequency attached by ClinVar (database versions not stated): gnomAD 0.00001; TOPMed 0.00001; gnomAD exomes 0.00003 and 0.00011; ExAC 0.00004.
gnomAD v4.1: 156 of 1,613,712 alleles (0.0097%); highest among the groups gnomAD compares: Non-Finnish European, 0.013%; no homozygotes.

Submissions (10):

Myriad Genetics, Inc.
Classification: Likely pathogenic for Tyrosinase-positive oculocutaneous albinism. Last evaluated: 2026-07-14. Review status: criteria provided, single submitter. Criteria: Myriad Autosomal Dominant, Autosomal Recessive and X-Linked Classification Criteria (2023). Collection method: clinical testing. Allele origin: unknown.
Comment: NM_000275.2(OCA2):c.2330G>A(C777Y) is a missense variant classified as likely pathogenic in the context of oculocutaneous albinism, OCA2-related. C777Y has been observed in cases with relevant disease (PMID: 37650133, 31848469, 38441889, 34707637, 28976636). Relevant functional assessments of this variant are not available in the literature. C777Y has been observed in referenced population frequency databases. In summary, NM_000275.2(OCA2):c.2330G>A(C777Y) is a missense variant that has been observed more frequently in cases with the relevant disease than in healthy populations. Please note: this variant was assessed in the context of healthy population screening.

North West Genomic Laboratory Hub, Manchester University NHS Foundation Trust
Classification: Pathogenic for X-linked retinitis pigmentosa. Last evaluated: 2025-12-15. Review status: criteria provided, single submitter. Criteria: ACGS Best Practice Guidelines for Variant Classification in Rare Disease 2020. Collection method: clinical testing. Allele origin: germline. Affected: yes.
Comment: PM2_Mod PP3_Supp PM3_VStr

PreventionGenetics, part of Exact Sciences
Classification: Likely pathogenic for OCA2-related condition. Last evaluated: 2025-12-02. Review status: criteria provided, single submitter. Criteria: ACMG Guidelines, 2015. Collection method: clinical testing. Allele origin: germline.
Comment: The OCA2 c.2330G>A variant is predicted to result in the amino acid substitution p.Cys777Tyr. This variant has been reported in an individual with oculocutaneous albinism, but a second variant in the OCA2 gene was not detected (Marti et al. 2017. PubMed ID: 28976636). This variant has also been reported in a cohort study of oculocutaneous albinism, however patient-level data was not provided (Ma et al. 2021. PubMed ID: 34707637). Additionally this variant has been reported in the heterozygous state in individuals who developed cutaneous malignant melanoma (Goldstein et al. 2017. PubMed ID: 29036293). Most recently this variant has been reported in three individuals with oculocutaneous albinism and who were shown to harbor a second OCA2 variant that affected the normal splicing of exon 10 (Michaud et al. 2023. PubMed ID: 37650133). This variant is present in 0.011% of alleles in individuals of East Asian descent in gnomAD. Given the evidence, we interpret this variant as likely pathogenic.

Labcorp Genetics (formerly Invitae), Labcorp
Classification: Pathogenic. Last evaluated: 2025-11-25. Review status: criteria provided, single submitter. Criteria: Invitae Variant Classification Sherloc (09022015). Collection method: clinical testing. Allele origin: germline.
Comment: This sequence change replaces cysteine, which is neutral and slightly polar, with tyrosine, which is neutral and polar, at codon 777 of the OCA2 protein (p.Cys777Tyr). This variant is present in population databases (rs776814755, gnomAD 0.01%). This missense change has been observed in individuals with clinical features of oculocutaneous albinism (PMID: 28976636; internal data). ClinVar contains an entry for this variant (Variation ID: 429697). Invitae Evidence Modeling of protein sequence and biophysical properties (such as structural, functional, and spatial information, amino acid conservation, physicochemical variation, residue mobility, and thermodynamic stability) indicates that this missense variant is expected to disrupt OCA2 protein function with a positive predictive value of 80%. For these reasons, this variant has been classified as Pathogenic.

GeneDx
Classification: Likely pathogenic. Last evaluated: 2025-07-10. Review status: criteria provided, single submitter. Criteria: GeneDx Variant Classification Process June 2021. Collection method: clinical testing. Allele origin: germline. Affected: yes.
Comment: Observed with a second OCA2 variant in patients with oculocutaneous albinism in the literature, but it is not known whether the variants occurred on the same (in cis) or on different (in trans) chromosomes in some cases (PMID: 34707637); Identified as a single heterozygous variant in a proband with features of oculocutaneous albinism (PMID: 28976636); Identified in two families with cutaneous malignant melanoma, including one individual who harbored a second OCA2 missense variant, but additional clinical information was not provided (PMID: 29036293); In silico analysis supports that this missense variant has a deleterious effect on protein structure/function; This variant is associated with the following publications: (PMID: 32966289, 37650133, 34707637, 29036293, 28976636)

Baylor Genetics
Classification: Likely pathogenic for SKIN/HAIR/EYE PIGMENTATION 1, BLUE/NONBLUE EYES. Last evaluated: 2023-08-14. Review status: criteria provided, single submitter. Criteria: ACMG Guidelines, 2015. Collection method: clinical testing. Allele origin: unknown.

Blueprint Genetics
Classification: Uncertain significance. Last evaluated: 2023-03-03. Review status: criteria provided, single submitter. Criteria: ACMG Guidelines, 2015. Collection method: clinical testing. Allele origin: germline.

Victorian Clinical Genetics Services, Murdoch Childrens Research Institute
Classification: Likely pathogenic for Tyrosinase-positive oculocutaneous albinism. Last evaluated: 2021-05-06. Review status: criteria provided, single submitter. Criteria: ACMG Guidelines, 2015. Collection method: clinical testing. Allele origin: germline. Affected: yes.
Comment: Based on the classification scheme VCGS_Germline_v1.3.4, this variant is classified as Likely pathogenic. Following criteria are met: 0102 - Loss of function is a known mechanism of disease in this gene and is associated with brown oculocutaneous albinism and oculocutaneous, type II albinism (MIM#203200). (I) 0106 - This gene is associated with autosomal recessive disease. A single variant has been reported in two families with dominant oculocutaneous albinism (PMID: 32741191). (I) 0115 - Variants in this gene causing oculocutaneous albinism are known to have variable expressivity (PMID: 24518832). (I) 0200 - Variant is predicted to result in a missense amino acid change from cysteine to tyrosine. (I) 0251 - This variant is heterozygous. (I) 0304 - Variant is present in gnomAD (v2) <0.01 for a condition (8 heterozygotes, 0 homozygotes). (SP) 0501 - Missense variant consistently predicted to be damaging by multiple in silico tools or highly conserved with a major amino acid change. (SP) 0600 - Variant is located in the annotated transmembrane helix within the permease P domain (NCBI). (I) 0704 - Another missense variant comparable to the one identified in this case has limited previous evidence for pathogenicity. An alternative change p.(Cys777Arg) has been reported in a heterozygous patient with albinism (PMID: 20861488). (SP) 0802 - This variant has moderate previous evidence of pathogenicity in unrelated individuals. This variant has been reported twice as likely pathogenic (ClinVar), and has been observed in a heterozygous patient with albinism (PMID: 28976636). (SP) 0905 - No published segregation evidence has been identified for this variant. (I) 1007 - No published functional evidence has been identified for this variant. (I) Legend: (SP) - Supporting pathogenic, (I) - Information, (SB) - Supporting benign

Fulgent Genetics
Classification: Likely pathogenic for Tyrosinase-positive oculocutaneous albinism; SKIN/HAIR/EYE PIGMENTATION 1, BLUE/NONBLUE EYES. Last evaluated: 2018-10-31. Review status: criteria provided, single submitter. Criteria: ACMG Guidelines, 2015. Collection method: clinical testing. Allele origin: unknown.

Laboratoire de Génétique Moléculaire, CHU Bordeaux
Classification: Likely pathogenic for Tyrosinase-positive oculocutaneous albinism. Review status: criteria provided, single submitter. Criteria: ACMG Guidelines, 2015. Collection method: clinical testing. Allele origin: germline. Affected: yes.

Literature cited by the submitters: PubMed 28976636 (cited by 3 submitters); PubMed 31848469 (cited by Myriad Genetics, Inc.); PubMed 34707637 (cited by Myriad Genetics, Inc.); PubMed 37650133 (cited by Myriad Genetics, Inc.); PubMed 38441889 (cited by Myriad Genetics, Inc.); PubMed 20861488 (cited by Victorian Clinical Genetics Services, Murdoch Childrens Research Institute); PubMed 24518832 (cited by Victorian Clinical Genetics Services, Murdoch Childrens Research Institute); PubMed 29036293 (cited by Victorian Clinical Genetics Services, Murdoch Childrens Research Institute); PubMed 32741191 (cited by Victorian Clinical Genetics Services, Murdoch Childrens Research Institute).